The following is an entry in ClinVar:

ClinVar aggregate classification (germline): Uncertain significance (1 of 4 stars; one submission).

Submission:

Labcorp Genetics (formerly Invitae), Labcorp
Classification: Uncertain significance. Last evaluated: 2025-11-20. Review status: criteria provided, single submitter. Criteria: Invitae Variant Classification Sherloc (09022015). Collection method: clinical testing. Allele origin: germline.
Comment: This sequence change replaces lysine, which is basic and polar, with glutamic acid, which is acidic and polar, at codon 24 of the KAT6A protein (p.Lys24Glu). This variant is not present in population databases (gnomAD no frequency). This variant has not been reported in the literature in individuals affected with KAT6A-related conditions. Invitae Evidence Modeling of protein sequence and biophysical properties (such as structural, functional, and spatial information, amino acid conservation, physicochemical variation, residue mobility, and thermodynamic stability) indicates that this missense variant is not expected to disrupt KAT6A protein function with a negative predictive value of 95%. In summary, the available evidence is currently insufficient to determine the role of this variant in disease. Therefore, it has been classified as a Variant of Uncertain Significance.

NM_006766.5(KAT6A):c.70A>G (p.Lys24Glu)

Gene: KAT6A (lysine acetyltransferase 6A; minus strand). Cytogenetic location: 8p11.21.
Variant type: single nucleotide variant.
Coding change: c.70A>G on transcript NM_006766.5 (MANE Select); coding-DNA position 70, A replaced by G.
Protein change: p.Lys24Glu; replaces lysine 24 with glutamic acid.
Molecular consequence: missense variant.
Genome position (GRCh38, 1-based): chr8:42,048,908, T>C on the plus strand (A>G on the coding strand, the complement: KAT6A is on the minus strand). VCF-style: chr8-42048908-T-C. GRCh37 (hg19) VCF-style: chr8-41906426-T-C.
Other names: c.70A>G, p.Lys24Glu (NM_001305878.2); short protein forms K24E.
Identifiers: ClinVar variation 4747349 (VCV004747349.1).